The following is an entry in ClinVar:

ClinVar aggregate classification (germline): Uncertain significance (1 of 4 stars; one submission).

Submission:

GeneDx
Classification: Uncertain significance. Last evaluated: 2023-10-20. Review status: criteria provided, single submitter. Criteria: GeneDx Variant Classification Process June 2021. Collection method: clinical testing. Allele origin: germline. Affected: yes.
Comment: Not observed at significant frequency in large population cohorts (gnomAD); In silico analysis supports that this missense variant does not alter protein structure/function; Has not been previously published as pathogenic or benign to our knowledge

NM_018896.5(CACNA1G):c.3562A>G (p.Ser1188Gly)

Gene: CACNA1G (calcium voltage-gated channel subunit alpha1 G; plus strand). Cytogenetic location: 17q21.33.
Variant type: single nucleotide variant.
Coding change: c.3562A>G on transcript NM_018896.5 (MANE Select); coding-DNA position 3562, A replaced by G.
Protein change: p.Ser1188Gly; replaces serine 1188 with glycine.
Molecular consequence: missense variant. On other transcripts: non-coding transcript variant (5).
Genome position (GRCh38, 1-based): chr17:50,599,731, A>G. VCF-style: chr17-50599731-A-G. GRCh37 (hg19) VCF-style: chr17-48677092-A-G.
Other names: c.3562A>G, p.Ser1188Gly (NM_001256324.2, NM_001256325.2, NM_001256326.2 and 16 more transcripts); c.3493A>G, p.Ser1165Gly (NM_001256332.2, NM_198376.3, NM_198379.3 and 5 more transcripts); short protein forms S1165G, S1188G.
Identifiers: ClinVar variation 3363294 (VCV003363294.1).